The following is an entry in ClinVar:

NM_003072.5(SMARCA4):c.833G>A (p.Gly278Glu)

Gene: SMARCA4 (SWI/SNF related BAF chromatin remodeling complex subunit ATPase 4; plus strand). Cytogenetic location: 19p13.2.
Variant type: single nucleotide variant.
Coding change: c.833G>A on transcript NM_003072.5 (MANE Select); coding-DNA position 833, G replaced by A.
Protein change: p.Gly278Glu; replaces glycine 278 with glutamic acid.
Molecular consequence: missense variant. On other transcripts: non-coding transcript variant (1).
Genome position (GRCh38, 1-based): chr19:10,986,977, G>A. VCF-style: chr19-10986977-G-A. GRCh37 (hg19) VCF-style: chr19-11097653-G-A.
Other names: c.833G>A, p.Gly278Glu (NM_001128844.3, NM_001128845.2, NM_001128846.2 and 6 more transcripts); short protein forms G278E.
Identifiers: ClinVar variation 4549566 (VCV004549566.1).

ClinVar aggregate classification (germline): Uncertain significance (1 of 4 stars; one submission).

Conditions:
Hereditary cancer-predisposing syndrome. Also called: Tumor predisposition; Hereditary Cancer Syndrome; Hereditary neoplastic syndrome; Neoplastic Syndromes, Hereditary. Identifiers: Orphanet 140162, MedGen C0027672, MeSH D009386, MONDO:0015356.

Submission:

Ambry Genetics
Classification: Uncertain significance for Hereditary cancer-predisposing syndrome. Last evaluated: 2025-10-29. Review status: criteria provided, single submitter. Criteria: Ambry Variant Classification Scheme 2023. Collection method: clinical testing. Allele origin: germline.
Comment: The p.G278E variant (also known as c.833G>A), located in coding exon 4 of the SMARCA4 gene, results from a G to A substitution at nucleotide position 833. The glycine at codon 278 is replaced by glutamic acid, an amino acid with similar properties. This amino acid position is conserved. In addition, the in silico prediction for this alteration is inconclusive. Based on the available evidence, the clinical significance of this variant remains unclear.